The following is an entry in ClinVar:

NM_015346.4(ZFYVE26):c.528T>C (p.Leu176=)

Gene: ZFYVE26 (zinc finger FYVE-type containing 26; minus strand). Cytogenetic location: 14q24.1.
Variant type: single nucleotide variant.
Coding change: c.528T>C on transcript NM_015346.4 (MANE Select); coding-DNA position 528, T replaced by C.
Protein change: p.Leu176=; no amino-acid change (leucine 176 retained).
Molecular consequence: synonymous variant.
Genome position (GRCh38, 1-based): chr14:67,807,756, A>G on the plus strand (T>C on the coding strand, the complement: ZFYVE26 is on the minus strand). VCF-style: chr14-67807756-A-G. GRCh37 (hg19) VCF-style: chr14-68274473-A-G.
Identifiers: ClinVar variation 1151687 (VCV001151687.33), dbSNP rs2040215930, ClinGen allele CA486971776.

ClinVar aggregate classification (germline): Likely benign. Review status: criteria provided, multiple submitters, no conflicts (2 of 4 stars). 3 submissions from 3 submitters: Likely benign (3). Last evaluated 2023-12-17.

Conditions:
Spastic paraplegia. Identifiers: MedGen C0037772, HP:0001258.

Allele frequency attached by ClinVar (database versions not stated): gnomAD exomes 0.00001.
gnomAD v4.1: 9 of 1,614,126 alleles (0.00056%); highest among the groups gnomAD compares: Middle Eastern, 0.016%; no homozygotes.

Submissions (3):

Labcorp Genetics (formerly Invitae), Labcorp
Classification: Likely benign for Spastic paraplegia. Last evaluated: 2023-12-17. Review status: criteria provided, single submitter. Criteria: Invitae Variant Classification Sherloc (09022015). Collection method: clinical testing. Allele origin: germline.

CeGaT Center for Human Genetics Tuebingen
Classification: Likely benign. Last evaluated: 2023-10-01. Review status: criteria provided, single submitter. Criteria: CeGaT Center For Human Genetics Tuebingen Variant Classification Criteria Version 2. Collection method: clinical testing. Allele origin: germline. Affected: yes. Observed: 1 variant allele.
Comment: ZFYVE26: PM2:Supporting, BP4, BP7

Blueprint Genetics
Classification: Likely benign. Last evaluated: 2022-04-21. Review status: criteria provided, single submitter. Criteria: ACMG Guidelines, 2015. Collection method: clinical testing. Allele origin: germline.